The following is an entry in ClinVar:

ClinVar aggregate classification (germline): Pathogenic (1 of 4 stars; one submission).

Conditions:
Thrombophilia, X-linked, due to factor 9 defect. Identifiers: MedGen C2749016, MONDO:0010432, OMIM 300807.
Hereditary factor IX deficiency disease (HEMB). Also called: F9 DEFICIENCY; FACTOR IX DEFICIENCY; PLASMA THROMBOPLASTIN COMPONENT DEFICIENCY; Hemophilia B; Christmas Disease. Identifiers: Orphanet 98879, MedGen C0008533, MeSH D002836, MONDO:0010604, OMIM 306900.

Allele frequency attached by ClinVar (database versions not stated): TOPMed 0.00004.

Submission:

Labcorp Genetics (formerly Invitae), Labcorp
Classification: Pathogenic for Thrombophilia, X-linked, due to factor 9 defect; Hereditary factor IX deficiency disease. Last evaluated: 2023-03-22. Review status: criteria provided, single submitter. Criteria: Invitae Variant Classification Sherloc (09022015). Collection method: clinical testing. Allele origin: germline.
Comment: For these reasons, this variant has been classified as Pathogenic. This variant disrupts the p.Asn48 amino acid residue in F9. Other variant(s) that disrupt this residue have been observed in individuals with F9-related conditions (PMID: 7937052, 10739381, 22639855), which suggests that this may be a clinically significant amino acid residue. Experimental studies have shown that this missense change does not substantially affect F9 function (PMID: 8463288). Advanced modeling of protein sequence and biophysical properties (such as structural, functional, and spatial information, amino acid conservation, physicochemical variation, residue mobility, and thermodynamic stability) performed at Invitae indicates that this missense variant is expected to disrupt F9 protein function. This variant is also known as A6379G; FIX/ND+2. This missense change has been observed in individuals with hemophilia B (PMID: 7937052; Invitae). This variant is not present in population databases (gnomAD no frequency). This sequence change replaces asparagine, which is neutral and polar, with aspartic acid, which is acidic and polar, at codon 48 of the F9 protein (p.Asn48Asp).

Literature cited by the submitters: PubMed 7937052; PubMed 10739381; PubMed 22639855; PubMed 8463288.

NM_000133.4(F9):c.142A>G (p.Asn48Asp)

Gene: F9 (coagulation factor IX; plus strand). Cytogenetic location: Xq27.1.
Variant type: single nucleotide variant.
Coding change: c.142A>G on transcript NM_000133.4 (MANE Select); coding-DNA position 142, A replaced by G.
Protein change: p.Asn48Asp; replaces asparagine 48 with aspartic acid.
Molecular consequence: missense variant.
Genome position (GRCh38, 1-based): chrX:139,537,063, A>G. VCF-style: chrX-139537063-A-G. GRCh37 (hg19) VCF-style: chrX-138619222-A-G.
Other names: c.142A>G, p.Asn48Asp (NM_001313913.2); short protein forms N48D.
Identifiers: ClinVar variation 2925690 (VCV002925690.3), dbSNP rs1927493197, ClinGen allele CA414435632.